The following is an entry in ClinVar:

NM_198060.4(NRAP):c.3314A>G (p.Lys1105Arg)

Gene: NRAP (nebulin related anchoring protein; minus strand). Cytogenetic location: 10q25.3.
Variant type: single nucleotide variant.
Coding change: c.3314A>G on transcript NM_198060.4 (MANE Select); coding-DNA position 3314, A replaced by G.
Protein change: p.Lys1105Arg; replaces lysine 1105 with arginine.
Molecular consequence: missense variant.
Genome position (GRCh38, 1-based): chr10:113,612,418, T>C on the plus strand (A>G on the coding strand, the complement: NRAP is on the minus strand). VCF-style: chr10-113612418-T-C. GRCh37 (hg19) VCF-style: chr10-115372177-T-C.
Other names: c.3314A>G, p.Lys1105Arg (NM_001261463.2); c.3206A>G, p.Lys1069Arg (NM_001322945.2); c.3209A>G, p.Lys1070Arg (NM_006175.5); short protein forms K1069R, K1070R, K1105R.
Identifiers: ClinVar variation 3054715 (VCV003054715.2), dbSNP rs145480099, ClinGen allele CA5694813.

ClinVar aggregate classification (germline): Uncertain significance (0 of 4 stars; one submission).

Conditions:
NRAP-related disorder. Also called: NRAP-related condition.

Allele frequency attached by ClinVar (database versions not stated): ExAC 0.00008; gnomAD 0.00011; TOPMed 0.00011; ESP Exome Variant Server 0.00015; gnomAD exomes 0.00023.
gnomAD v4.1: 352 of 1,613,868 alleles (0.022%); highest among the groups gnomAD compares: Non-Finnish European, 0.028%; no homozygotes.

Submission:

PreventionGenetics, part of Exact Sciences
Classification: Uncertain significance for NRAP-related condition. Last evaluated: 2023-11-01. Review status: no assertion criteria provided. Collection method: clinical testing. Allele origin: germline.
Comment: The NRAP c.3314A>G variant is predicted to result in the amino acid substitution p.Lys1105Arg. To our knowledge, this variant has not been reported in the literature. This variant is reported in 0.012% of alleles in individuals of African descent in gnomAD. At this time, the clinical significance of this variant is uncertain due to the absence of conclusive functional and genetic evidence.